The following is an entry in ClinVar:

NM_000090.4(COL3A1):c.3245G>A (p.Arg1082Gln)

Gene: COL3A1 (collagen type III alpha 1 chain; plus strand). Cytogenetic location: 2q32.2.
Variant type: single nucleotide variant.
Coding change: c.3245G>A on transcript NM_000090.4 (MANE Select); coding-DNA position 3245, G replaced by A.
Protein change: p.Arg1082Gln; replaces arginine 1082 with glutamine.
Molecular consequence: missense variant.
Genome position (GRCh38, 1-based): chr2:189,006,980, G>A. VCF-style: chr2-189006980-G-A. GRCh37 (hg19) VCF-style: chr2-189871706-G-A.
Other names: p.R1082Q:CGA>CAA; p.Arg1082Gln; short protein forms R1082Q.
Identifiers: ClinVar variation 199739 (VCV000199739.23), dbSNP rs367754862, ClinGen allele CA006225.
Genomic context (GRCh38, chr2:189,006,980, plus strand): 5'-GAATGTTTTCATCTTAGGGCCCTGCTGGCCCTGCTGGTGCTCCCGGTCCTGCTGGTTCCC[G>A]AGGTGCTCCTGTAAGTTTTGTCATTTTTTGGTTTTATTTTGTTTTGTTCTTTTTTTAACT-3'
Protein context (NP_000081.2, residues 1072-1092): PAGAPGPAGS[Arg1082Gln]GAPGPQGPRG

ClinVar aggregate classification (germline): Conflicting classifications of pathogenicity. Review status: criteria provided, conflicting classifications (1 of 4 stars). 7 submissions from 7 submitters: Uncertain significance (6); Likely benign (1). Last evaluated 2025-11-20.

Conditions:
Familial thoracic aortic aneurysm and aortic dissection (TAAD). Also called: Thoracic aortic aneurysms and dissections. Identifiers: Orphanet 91387, MedGen C4707243, MONDO:0019625.
Ehlers-Danlos syndrome, type 4 (EDSVASC). Also called: Ehlers-Danlos syndrome vascular type; Ehlers Danlos syndrome, ecchymotic type; Ehlers Danlos syndrome, arterial type; Ehlers Danlos syndrome, Sack-Barabas type; Ehlers-Danlos Syndrome Type IV. Identifiers: Orphanet 286, MedGen C0268338, MONDO:0017314, OMIM 130050.

Allele frequency attached by ClinVar (database versions not stated): TOPMed 0.00002; ExAC 0.00004; gnomAD 0.00004; gnomAD exomes 0.00004 and 0.00006; ESP Exome Variant Server 0.00008; 1000 Genomes Project 30x 0.00016; 1000 Genomes Project 0.00020.
gnomAD v4.1: 91 of 1,612,502 alleles (0.0056%); highest among the groups gnomAD compares: East Asian, 0.016%; no homozygotes.

Submissions (7):

Color Diagnostics, LLC DBA Color Health
Classification: Uncertain significance for Familial thoracic aortic aneurysm and aortic dissection. Last evaluated: 2025-11-20. Review status: criteria provided, single submitter. Criteria: ACMG Guidelines, 2015. Collection method: clinical testing. Allele origin: germline.
Comment: This missense variant replaces arginine with glutamine at codon 1082 of the COL3A1 protein. Computational prediction is inconclusive regarding the impact of this variant on protein structure and function. To our knowledge, functional studies have not been reported for this variant. This variant has been reported in one individual with clinical features of vascular Ehlers-Danlos syndrome (PMID: 25758994). This variant has been identified in 91/1612502 chromosomes in the general population by the Genome Aggregation Database (gnomAD). The available evidence is insufficient to determine the role of this variant in disease conclusively. Therefore, this variant is classified as a Variant of Uncertain Significance.

Labcorp Genetics (formerly Invitae), Labcorp
Classification: Uncertain significance for Ehlers-Danlos syndrome, type 4. Last evaluated: 2025-09-14. Review status: criteria provided, single submitter. Criteria: Invitae Variant Classification Sherloc (09022015). Collection method: clinical testing. Allele origin: germline.
Comment: This sequence change replaces arginine, which is basic and polar, with glutamine, which is neutral and polar, at codon 1082 of the COL3A1 protein (p.Arg1082Gln). This variant is present in population databases (rs367754862, gnomAD 0.02%). This missense change has been observed in individual(s) with clinical features of vascular Ehlers-Danlos syndrome (PMID: 25758994). ClinVar contains an entry for this variant (Variation ID: 199739). Invitae Evidence Modeling of protein sequence and biophysical properties (such as structural, functional, and spatial information, amino acid conservation, physicochemical variation, residue mobility, and thermodynamic stability) indicates that this missense variant is not expected to disrupt COL3A1 protein function with a negative predictive value of 95%. In summary, the available evidence is currently insufficient to determine the role of this variant in disease. Therefore, it has been classified as a Variant of Uncertain Significance.

Mayo Clinic Laboratories, Mayo Clinic
Classification: Uncertain significance. Last evaluated: 2025-07-03. Review status: criteria provided, single submitter. Criteria: ACMG Guidelines, 2015. Collection method: clinical testing. Allele origin: germline. Observed: 1 variant allele.
Comment: BS1

Women's Health and Genetics/Laboratory Corporation of America, LabCorp
Classification: Uncertain significance. Last evaluated: 2025-05-23. Review status: criteria provided, single submitter. Criteria: LabCorp Variant Classification Summary - May 2015. Collection method: clinical testing. Allele origin: germline.
Comment: Variant summary: COL3A1 c.3245G>A (p.Arg1082Gln) results in a conservative amino acid change in the encoded protein sequence. Algorithms developed to predict the effect of missense changes on protein structure and function are either unavailable or do not agree on the potential impact of this missense change. The variant allele was found at a frequency of 4.4e-05 in 251228 control chromosomes. This frequency is not significantly higher than estimated for a pathogenic variant in COL3A1 causing Polymicrogyria with or without vascular-type Ehlers-Danlos syndrome, allowing no conclusion about variant significance. c.3245G>A has been observed in the presumed heterozygous state in at least 1 individual(s) affected with vascular Ehlers-Danlos syndrome (example, Frank_2015). These report(s) do not provide unequivocal conclusions about association of the variant with Polymicrogyria with or without vascular-type Ehlers-Danlos syndrome. To our knowledge, no experimental evidence demonstrating an impact on protein function has been reported. The following publication has been ascertained in the context of this evaluation (PMID: 25758994). ClinVar contains an entry for this variant (Variation ID: 199739). Based on the evidence outlined above, the variant was classified as uncertain significance.

All of Us Research Program, National Institutes of Health
Classification: Uncertain significance for Ehlers-Danlos syndrome, type 4. Last evaluated: 2024-07-10. Review status: criteria provided, single submitter. Criteria: ACMG Guidelines, 2015. Collection method: clinical testing. Allele origin: germline. Inheritance: Autosomal dominant inheritance. Observed: 10 variant alleles, 10 heterozygotes.
Comment: This missense variant replaces arginine with glutamine at codon 1082 of the COL3A1 protein. Computational prediction is inconclusive regarding the impact of this variant on protein structure and function (internally defined REVEL score threshold 0.5 < inconclusive < 0.7, PMID: 27666373). To our knowledge, functional studies have not been reported for this variant. This variant has been reported in an individual with clinical features of vascular Ehlers-Danlos syndrome (PMID: 25758994). This variant has been identified in 12/282308 chromosomes in the general population by the Genome Aggregation Database (gnomAD). The available evidence is insufficient to determine the role of this variant in disease conclusively. Therefore, this variant is classified as a Variant of Uncertain Significance.

This study involves interpretation of variants in research participants for the purpose of population health screening. Participant phenotype was not available at the time of variant classification. Additional details can be found in publication PMID: 35346344, PMCID: PMC8962531

Ambry Genetics
Classification: Likely benign for Familial thoracic aortic aneurysm and aortic dissection. Last evaluated: 2024-03-28. Review status: criteria provided, single submitter. Criteria: Ambry Variant Classification Scheme 2023. Collection method: clinical testing. Allele origin: germline.

GeneDx
Classification: Uncertain significance. Last evaluated: 2022-05-31. Review status: criteria provided, single submitter. Criteria: GeneDx Variant Classification Process June 2021. Collection method: clinical testing. Allele origin: germline. Affected: yes.
Comment: In silico analysis supports that this missense variant has a deleterious effect on protein structure/function; Occurs in the triple helical domain at the Y position in the canonical Gly-X-Y repeat; although this variant may have an effect on normal protein folding and function, missense substitution at the Y position is not a common mechanism of disease (HGMD); This variant is associated with the following publications: (PMID: 25758994, 27535533, 26582918, 34318601)

Literature cited by the submitters: PubMed 25758994 (cited by 6 submitters).